The following is an entry in ClinVar:

NM_000500.9(CYP21A2):c.508T>C (p.Cys170Arg)

Genes: CYP21A2 (cytochrome P450 family 21 subfamily A member 2; plus strand), LOC106780800 (CYP21A2 recombination region; plus strand). Cytogenetic location: 6p21.33.
Variant type: single nucleotide variant.
Coding change: c.508T>C on transcript NM_000500.9 (MANE Select); coding-DNA position 508, T replaced by C.
Protein change: p.Cys170Arg; replaces cysteine 170 with arginine.
Molecular consequence: missense variant.
Genome position (GRCh38, 1-based): chr6:32,039,416, T>C. VCF-style: chr6-32039416-T-C. GRCh37 (hg19) VCF-style: chr6-32007193-T-C.
Other names: c.418T>C, p.Cys140Arg (NM_001128590.4); c.103T>C, p.Cys35Arg (NM_001368143.2, NM_001368144.2); short protein forms C140R, C170R, C35R.
Identifiers: ClinVar variation 3896660 (VCV003896660.2).
Genomic context (GRCh38, chr6:32,039,416, plus strand): 5'-CGCATGAGAGCCCAGCCCGGCACCCCTGTGGCCATTGAGGAGGAATTCTCTCTCCTCACC[T>C]GCAGCATCATCTGTTACCTCACCTTCGGAGACAAGATCAAGGTGCCTCACAGCCCCTCAG-3'
Protein context (NP_000491.4, residues 160-180): AIEEEFSLLT[Cys170Arg]SIICYLTFGD

ClinVar aggregate classification (germline): Likely pathogenic (1 of 4 stars; one submission).

Conditions:
Congenital adrenal hyperplasia. Identifiers: Orphanet 418, MedGen C0001627, MONDO:0018479, HP:0008258.

gnomAD v4.1: 1 of 1,613,412 alleles (0.000062%); highest among the groups gnomAD compares: Non-Finnish European, 0.000085%; no homozygotes.

Submission:

Women's Health and Genetics/Laboratory Corporation of America, LabCorp
Classification: Likely pathogenic for Congenital adrenal hyperplasia. Last evaluated: 2025-04-23. Review status: criteria provided, single submitter. Criteria: LabCorp Variant Classification Summary - May 2015. Collection method: clinical testing. Allele origin: germline.
Comment: Variant summary: CYP21A2 c.508T>C (p.Cys170Arg) results in a non-conservative amino acid change in the encoded protein sequence. Four of five in-silico tools predict a damaging effect of the variant on protein function. The variant was absent in 249924 control chromosomes. c.508T>C has been observed in the comound heterozygous state in at least one individual affected with Congenital Adrenal Hyperplasia (Grischuk_2006). At least one publication reports experimental evidence evaluating an impact on protein function. The most pronounced variant effect results in 1% of normal activity (Grischuk_2006). This variant is also known as C169R. The following publication have been ascertained in the context of this evaluation (PMID: 16984992). No submitters have cited clinical-significance assessments for this variant to ClinVar. Based on the evidence outlined above, the variant was classified as likely pathogenic.

Literature cited by the submitters: PubMed 16984992.